The following is an entry in ClinVar:

NM_022114.4(PRDM16):c.848G>A (p.Cys283Tyr)

Gene: PRDM16 (PR/SET domain 16; plus strand). Cytogenetic location: 1p36.32.
Variant type: single nucleotide variant.
Coding change: c.848G>A on transcript NM_022114.4 (MANE Select); coding-DNA position 848, G replaced by A.
Protein change: p.Cys283Tyr; replaces cysteine 283 with tyrosine.
Molecular consequence: missense variant.
Genome position (GRCh38, 1-based): chr1:3,402,962, G>A. VCF-style: chr1-3402962-G-A. GRCh37 (hg19) VCF-style: chr1-3319526-G-A.
Other names: c.848G>A, p.Cys283Tyr (NM_199454.3); short protein forms C283Y.
Identifiers: ClinVar variation 1306543 (VCV001306543.3), dbSNP rs772580405, ClinGen allele CA543976.

ClinVar aggregate classification (germline): Uncertain significance. Review status: criteria provided, multiple submitters, no conflicts (2 of 4 stars). 2 submissions from 2 submitters: Uncertain significance (2). Last evaluated 2024-05-10.

Conditions:
Inborn genetic diseases. Identifiers: MedGen C0950123, MeSH D030342.

Allele frequency attached by ClinVar (database versions not stated): gnomAD exomes below 0.00001; TOPMed below 0.00001; ExAC 0.00001.

Submissions (2):

Ambry Genetics
Classification: Uncertain significance for Inborn genetic diseases. Last evaluated: 2024-05-10. Review status: criteria provided, single submitter. Criteria: Ambry Variant Classification Scheme 2023. Collection method: clinical testing. Allele origin: germline.

GeneDx
Classification: Uncertain significance. Last evaluated: 2019-06-12. Review status: criteria provided, single submitter. Criteria: GeneDx Variant Classification Process June 2021. Collection method: clinical testing. Allele origin: germline. Affected: yes.
Comment: Has not been previously published as pathogenic or benign to our knowledge; Not observed at a significant frequency in large population cohorts (Lek et al., 2016); In silico analysis, which includes protein predictors and evolutionary conservation, supports a deleterious effect